The following is an entry in ClinVar:

ClinVar aggregate classification (germline): Uncertain significance. Review status: criteria provided, multiple submitters, no conflicts (2 of 4 stars). 4 submissions from 4 submitters: Uncertain significance (3). 1 of the submissions does not count toward it. Last evaluated 2025-03-04.

Conditions:
Rheumatoid arthritis (RA). Also called: RHEUMATOID ARTHRITIS, SUSCEPTIBILITY TO. Identifiers: MedGen C0003873, MONDO:0008383, OMIM 180300, HP:0001370.
MHC class II deficiency 1 (MHC2D1). Also called: Bare lymphocyte syndrome type 2, complementation group A; BARE LYMPHOCYTE SYNDROME, TYPE II, COMPLEMENTATION GROUP A; SCID, HLA CLASS II-NEGATIVE. Identifiers: MedGen C1859534, MONDO:0971005, OMIM 209920.
MHC class II deficiency. Also called: BLS, TYPE II; Bare lymphocyte syndrome 2. Identifiers: Orphanet 572, MedGen C5447452, MONDO:0008855.

Allele frequency attached by ClinVar (database versions not stated): gnomAD 0.00001; gnomAD exomes 0.00002; TOPMed 0.00002; ExAC 0.00003.

Submissions (4):

Center for Genomic Medicine, Rigshospitalet, Copenhagen University Hospital
Classification: Uncertain significance. Last evaluated: 2025-03-04. Review status: criteria provided, single submitter. Criteria: ACMG Guidelines, 2015. Collection method: clinical testing. Allele origin: germline.

Fulgent Genetics
Classification: Uncertain significance for Rheumatoid arthritis; MHC class II deficiency 1. Last evaluated: 2024-04-29. Review status: criteria provided, single submitter. Criteria: ACMG Guidelines, 2015. Collection method: clinical testing. Allele origin: germline.

Labcorp Genetics (formerly Invitae), Labcorp
Classification: Uncertain significance for MHC class II deficiency. Last evaluated: 2022-02-25. Review status: criteria provided, single submitter. Criteria: Invitae Variant Classification Sherloc (09022015). Collection method: clinical testing. Allele origin: germline.
Comment: This sequence change replaces glutamic acid, which is acidic and polar, with lysine, which is basic and polar, at codon 482 of the CIITA protein (p.Glu482Lys). This variant is present in population databases (rs772224355, gnomAD 0.004%). This variant has not been reported in the literature in individuals affected with CIITA-related conditions. ClinVar contains an entry for this variant (Variation ID: 574840). Algorithms developed to predict the effect of missense changes on protein structure and function are either unavailable or do not agree on the potential impact of this missense change (SIFT: "Tolerated"; PolyPhen-2: "Possibly Damaging"; Align-GVGD: "Class C0"). In summary, the available evidence is currently insufficient to determine the role of this variant in disease. Therefore, it has been classified as a Variant of Uncertain Significance.

Natera, Inc.
Classification: Uncertain significance for Bare lymphocyte syndrome type II. Last evaluated: 2020-04-24. Review status: no assertion criteria provided. Collection method: clinical testing. Allele origin: germline. Not counted in ClinVar's aggregate classification.

NM_000246.4(CIITA):c.1444G>A (p.Glu482Lys)

Gene: CIITA (class II major histocompatibility complex transactivator; plus strand). Cytogenetic location: 16p13.13.
Variant type: single nucleotide variant.
Coding change: c.1444G>A on transcript NM_000246.4 (MANE Select); coding-DNA position 1444, G replaced by A.
Protein change: p.Glu482Lys; replaces glutamic acid 482 with lysine.
Molecular consequence: missense variant. On other transcripts: intron variant (1).
Genome position (GRCh38, 1-based): chr16:10,906,936, G>A. VCF-style: chr16-10906936-G-A. GRCh37 (hg19) VCF-style: chr16-11000793-G-A.
Other names: c.1447G>A, p.Glu483Lys (NM_001286402.1, NM_001379332.1); c.1300G>A, p.Glu434Lys (NM_001379330.1); c.1297G>A, p.Glu433Lys (NM_001379331.1); c.1444G>A, p.Glu482Lys (NM_001379333.1); c.1375G>A, p.Glu459Lys (NM_001379334.1); c.860-2047G>A (NM_001286403.2); short protein forms E482K, E483K, E433K, E434K, E459K.
Identifiers: ClinVar variation 574840 (VCV000574840.10), dbSNP rs772224355, ClinGen allele CA7900132.